The following is an entry in ClinVar:

ClinVar aggregate classification (germline): Pathogenic/Likely pathogenic. Review status: criteria provided, multiple submitters, no conflicts (2 of 4 stars). 7 submissions from 7 submitters: Pathogenic (6); Likely pathogenic (1). Last evaluated 2026-07-01.

Conditions:
Charcot-Marie-Tooth Neuropathy X. Identifiers: MedGen CN118851.
GJB1-related disorder. Also called: GJB1-related condition; GJB1-related disorders.
Charcot-Marie-Tooth disease X-linked dominant 1. Also called: Charcot-Marie-Tooth Neuropathy X Type 1; CHARCOT-MARIE-TOOTH NEUROPATHY, X-LINKED, 1; CHARCOT-MARIE-TOOTH PERONEAL MUSCULAR ATROPHY, X-LINKED; HEREDITARY MOTOR AND SENSORY NEUROPATHY, X-LINKED; HMSN, X-LINKED; X-linked Charcot-Marie-Tooth disease type 1. Identifiers: Orphanet 101075, MedGen C0393808, MONDO:0010549, OMIM 302800.

Allele frequency attached by ClinVar (database versions not stated): gnomAD exomes below 0.00001 and 0.00001; TOPMed below 0.00001; gnomAD 0.00001; ExAC 0.00002; ESP Exome Variant Server 0.00009.
gnomAD v4.1: 3 of 1,203,185 alleles (0.00025%); highest among the groups gnomAD compares: Non-Finnish European, 0.00022%; no homozygotes.

Submissions (7):

CeGaT Center for Human Genetics Tuebingen
Classification: Pathogenic. Last evaluated: 2026-07-01. Review status: criteria provided, single submitter. Criteria: CeGaT Center For Human Genetics Tuebingen Variant Classification Criteria Version 2. Collection method: clinical testing. Allele origin: germline. Affected: yes. Observed: 1 variant allele.
Comment: GJB1: PP1:Strong, PS4, PM1, PM2, PM5, PP3, PS3:Supporting

GeneDx
Classification: Pathogenic. Last evaluated: 2026-04-21. Review status: criteria provided, single submitter. Criteria: GeneDx Variant Classification Process June 2021. Collection method: clinical testing. Allele origin: germline.
Comment: Functional studies using dual whole-cell voltage-clamp recordings show that R164W impaired the formation and function of junctional channels (PMID: 15006706); Missense variants in this gene are a common cause of disease and they are underrepresented in the general population; In silico analysis supports that this missense variant has a deleterious effect on protein structure/function; Not observed at significant frequency in large population cohorts (gnomAD); This variant is associated with the following publications: (PMID: 16301507, 7580242, 17100997, 11571214, 12499506, 10873293, 11438991, 12111842, 9187667, 10093067, 8737658, 8733054, 27025386, 26479765, 11437164, 31827005, 32376792, 37273706, 37284795, 34255403, 15006706)

Variantyx, Inc.
Classification: Likely pathogenic for Charcot-Marie-Tooth disease X-linked dominant 1. Last evaluated: 2026-01-12. Review status: criteria provided, single submitter. Criteria: Variantyx Assertion Criteria 2022. Collection method: clinical testing. Allele origin: maternal. Inheritance: X-linked dominant inheritance.
Comment: This is a nonsynonymous variant in the GJB1 gene (OMIM: 304040). Pathogenic variants in this gene have been associated with X-linked Charcot-Marie-Tooth neuropathy 1. This variant has been reported in at least 5 unrelated affected individuals (PMID: 7580242, 27025386, 37273706) (PS4_Moderate), and has been observed to segregate with disease in at least 3 individuals from 1 family (PMID: 26479765) (PP1_Moderate). Functional studies have shown that this variant alters GJB1 protein function (PMID: 15006706) (PS3_Moderate), and multiple computational algorithms predict a deleterious effect (REVEL score: 0.812) (PP3). Alternate amino acid changes at this position (p.Arg164Gln, p.Arg164Leu) have been previously reported in similarly affected individuals, which suggests that this residue is biologically important (PMID: 10923043, 9187667) (PM5). This variant has a 0.0002% maximum allele frequency in non-founder control populations (PM2). Based on the current evidence, this variant is classified as likely pathogenic for X-linked Charcot-Marie-Tooth neuropathy 1.

Labcorp Genetics (formerly Invitae), Labcorp
Classification: Pathogenic for Charcot-Marie-Tooth Neuropathy X. Last evaluated: 2025-09-02. Review status: criteria provided, single submitter. Criteria: Invitae Variant Classification Sherloc (09022015). Collection method: clinical testing. Allele origin: germline.
Comment: This sequence change replaces arginine, which is basic and polar, with tryptophan, which is neutral and slightly polar, at codon 164 of the GJB1 protein (p.Arg164Trp). The frequency data for this variant in the population databases is considered unreliable, as metrics indicate poor data quality at this position in the gnomAD database. This missense change has been observed in individuals with Charcot-Marie-Tooth disease (CMT) (PMID: 7580242, 8733054, 11437164, 28469099). It has also been observed to segregate with disease in related individuals. This variant is also known as c.552C>T. ClinVar contains an entry for this variant (Variation ID: 217170). Invitae Evidence Modeling of protein sequence and biophysical properties (such as structural, functional, and spatial information, amino acid conservation, physicochemical variation, residue mobility, and thermodynamic stability) has been performed for this missense variant. However, the output from this modeling did not meet the statistical confidence thresholds required to predict the impact of this variant on GJB1 protein function. Experimental studies have shown that this missense change affects GJB1 function (PMID: 11571214, 15006706). This variant disrupts the p.Arg164 amino acid residue in GJB1. Other variant(s) that disrupt this residue have been determined to be pathogenic (PMID: 9187667, 25025039, 27844031). This suggests that this residue is clinically significant, and that variants that disrupt this residue are likely to be disease-causing. For these reasons, this variant has been classified as Pathogenic.

Athena Diagnostics
Classification: Pathogenic. Last evaluated: 2023-06-27. Review status: criteria provided, single submitter. Criteria: Athena Diagnostics Criteria. Collection method: clinical testing. Allele origin: unknown.
Comment: The frequency of this variant in the general population is consistent with pathogenicity (Genome Aggregation Database (gnomAD), Cambridge, MA (URL)). This variant has been identified in multiple individuals with clinical features associated with this gene and appears to be associated with disease in at least one family. Assessment of experimental evidence suggests this variant results in abnormal protein function. (PMID: 15006706) The variant is located in a region that is considered important for protein function and/or structure.

MGZ Medical Genetics Center
Classification: Pathogenic for Charcot-Marie-Tooth disease X-linked dominant 1. Last evaluated: 2022-03-11. Review status: criteria provided, single submitter. Criteria: ACMG Guidelines, 2015. Collection method: clinical testing. Allele origin: germline. Affected: yes. Observed: 1 variant allele.
Comment: ACMG criteria applied: PP1_STR, PS3_MOD, PS4_MOD, PM5, PM2_SUP, PP3

Blueprint Genetics
Classification: Pathogenic for GJB1-related disorders. Last evaluated: 2019-05-20. Review status: criteria provided, single submitter. Criteria: ACMG Guidelines, 2015. Collection method: clinical testing. Allele origin: germline. Affected: yes. Observed: 1 variant allele.

Literature cited by the submitters: PubMed 10923043 (cited by Variantyx, Inc.); PubMed 9187667 (cited by 3 submitters); PubMed 7580242 (cited by 3 submitters); PubMed 27025386 (cited by Variantyx, Inc. and Athena Diagnostics); PubMed 37273706 (cited by Variantyx, Inc.); PubMed 15006706 (cited by 3 submitters); PubMed 26479765 (cited by Variantyx, Inc. and Athena Diagnostics); PubMed 8733054 (cited by Labcorp Genetics (formerly Invitae), Labcorp and Athena Diagnostics); PubMed 11437164 (cited by Labcorp Genetics (formerly Invitae), Labcorp and Athena Diagnostics); PubMed 28469099 (cited by Labcorp Genetics (formerly Invitae), Labcorp and Athena Diagnostics); PubMed 11571214 (cited by Labcorp Genetics (formerly Invitae), Labcorp and Athena Diagnostics); PubMed 25025039 (cited by Labcorp Genetics (formerly Invitae), Labcorp); PubMed 27844031 (cited by Labcorp Genetics (formerly Invitae), Labcorp); PubMed 31827005 (cited by Athena Diagnostics); PubMed 8757034 (cited by Athena Diagnostics); PubMed 10873293 (cited by Athena Diagnostics); PubMed 8737658 (cited by Athena Diagnostics); PubMed 12499506 (cited by Athena Diagnostics); PubMed 32903794 (cited by Athena Diagnostics); PubMed 28071741 (cited by Athena Diagnostics); PubMed 27098783 (cited by Athena Diagnostics); PubMed 27862672 (cited by Athena Diagnostics); PubMed 31372974 (cited by Athena Diagnostics); PubMed 27027447 (cited by Athena Diagnostics); PubMed 27544631 (cited by Athena Diagnostics); PubMed 27804109 (cited by Athena Diagnostics); PubMed 25429913 (cited by Athena Diagnostics); PubMed 24444136 (cited by Athena Diagnostics); PubMed 16301507 (cited by Athena Diagnostics); PubMed 11438991 (cited by Athena Diagnostics).

NM_000166.6(GJB1):c.490C>T (p.Arg164Trp)

Gene: GJB1 (gap junction protein beta 1; plus strand). Cytogenetic location: Xq13.1.
Variant type: single nucleotide variant.
Coding change: c.490C>T on transcript NM_000166.6 (MANE Select); coding-DNA position 490, C replaced by T.
Protein change: p.Arg164Trp; replaces arginine 164 with tryptophan.
Molecular consequence: missense variant.
Genome position (GRCh38, 1-based): chrX:71,224,197, C>T. VCF-style: chrX-71224197-C-T. GRCh37 (hg19) VCF-style: chrX-70444047-C-T.
Other names: c.490C>T, p.Arg164Trp (NM_001097642.3); short protein forms R164W.
Identifiers: ClinVar variation 217170 (VCV000217170.19), dbSNP rs139643362, ClinGen allele CA277620.
Genomic context (GRCh38, chrX:71,224,197, plus strand): 5'-TTGTTTGAGGCCGTCTTCATGTATGTCTTTTATCTGCTCTACCCTGGCTATGCCATGGTG[C>T]GGCTGGTCAAGTGCGACGTCTACCCCTGCCCCAACACAGTGGACTGCTTCGTGTCCCGCC-3'
Protein context (NP_000157.1, residues 154-174): YLLYPGYAMV[Arg164Trp]LVKCDVYPCP